The following is an entry in ClinVar:

NM_000093.5(COL5A1):c.3389del (p.Pro1130fs)

Gene: COL5A1 (collagen type V alpha 1 chain; plus strand). Cytogenetic location: 9q34.3.
Variant type: Deletion.
Coding change: c.3389del on transcript NM_000093.5 (MANE Select); coding-DNA position 3389, one base deleted (C; older notation c.3389delC).
Protein change: p.Pro1130fs; shifts the reading frame from proline 1130.
Molecular consequence: frameshift variant.
Genome position (GRCh38, 1-based): chr9:134,809,205, C deleted; the last of 3 consecutive C bases (chr9:134,809,203-134,809,205); deleting any one gives the same sequence. VCF-style (leftmost placement, unchanged base first): chr9-134809202-GC-G. GRCh37 (hg19) VCF-style: chr9-137701048-GC-G.
Other names: c.3389del, p.Pro1130fs (NM_001278074.1); short protein forms P1130fs.
Identifiers: ClinVar variation 4726857 (VCV004726857.1).

ClinVar aggregate classification (germline): Pathogenic (1 of 4 stars; one submission).

Conditions:
Ehlers-Danlos syndrome, classic type, 1 (EDSCL1). Also called: EHLERS-DANLOS SYNDROME, GRAVIS TYPE; EHLERS-DANLOS SYNDROME, SEVERE CLASSIC TYPE; Ehlers-Danlos syndrome, type 1; Ehlers-Danlos Syndrome, Classic Type, COL5A1-Related; EDS I. Identifiers: MedGen C0268335, MONDO:0019567, OMIM 130000.

Submission:

Labcorp Genetics (formerly Invitae), Labcorp
Classification: Pathogenic for Ehlers-Danlos syndrome, classic type, 1. Last evaluated: 2025-09-09. Review status: criteria provided, single submitter. Criteria: Invitae Variant Classification Sherloc (09022015). Collection method: clinical testing. Allele origin: germline.
Comment: This sequence change creates a premature translational stop signal (p.Pro1130Glnfs*146) in the COL5A1 gene. It is expected to result in an absent or disrupted protein product. Loss-of-function variants in COL5A1 are known to be pathogenic (PMID: 23587214). This variant is not present in population databases (gnomAD no frequency). This variant has not been reported in the literature in individuals affected with COL5A1-related conditions. For these reasons, this variant has been classified as Pathogenic.

Literature cited by the submitters: PubMed 23587214.